The following is an entry in ClinVar:

NM_006466.4(POLR3F):c.569C>A (p.Ser190Tyr)

Gene: POLR3F (RNA polymerase III subunit F; plus strand). Cytogenetic location: 20p11.23.
Variant type: single nucleotide variant.
Coding change: c.569C>A on transcript NM_006466.4 (MANE Select); coding-DNA position 569, C replaced by A.
Protein change: p.Ser190Tyr; replaces serine 190 with tyrosine.
Molecular consequence: missense variant. On other transcripts: non-coding transcript variant (1).
Genome position (GRCh38, 1-based): chr20:18,480,177, C>A. VCF-style: chr20-18480177-C-A. GRCh37 (hg19) VCF-style: chr20-18460821-C-A.
Other names: c.446C>A, p.Ser149Tyr (NM_001282526.2); short protein forms S190Y, S149Y.
Identifiers: ClinVar variation 1972613 (VCV001972613.5), dbSNP rs1264113702, ClinGen allele CA408352535.

ClinVar aggregate classification (germline): Uncertain significance (1 of 4 stars; one submission).

Allele frequency attached by ClinVar (database versions not stated): TOPMed 0.00001.
gnomAD v4.1: 1 of 1,610,626 alleles (0.000062%); highest among the groups gnomAD compares: Admixed American, 0.0017%; no homozygotes.

Submission:

Labcorp Genetics (formerly Invitae), Labcorp
Classification: Uncertain significance. Last evaluated: 2022-10-18. Review status: criteria provided, single submitter. Criteria: Invitae Variant Classification Sherloc (09022015). Collection method: clinical testing. Allele origin: germline.
Comment: This variant has not been reported in the literature in individuals affected with POLR3F-related conditions. This sequence change replaces serine, which is neutral and polar, with tyrosine, which is neutral and polar, at codon 149 of the POLR3F protein (p.Ser149Tyr). This variant is not present in population databases (gnomAD no frequency). Algorithms developed to predict the effect of missense changes on protein structure and function are either unavailable or do not agree on the potential impact of this missense change (SIFT: "Deleterious"; PolyPhen-2: "Not Available"; Align-GVGD: "Class C0"). In summary, the available evidence is currently insufficient to determine the role of this variant in disease. Therefore, it has been classified as a Variant of Uncertain Significance.